The following is an entry in ClinVar:

NM_015443.4(KANSL1):c.1652+1G>A

Gene: KANSL1 (KAT8 regulatory NSL complex subunit 1). Cytogenetic location: 17q21.31.
Variant type: single nucleotide variant.
Coding change: c.1652+1G>A on transcript NM_015443.4 (MANE Select); the canonical splice donor site of the intron after coding-DNA position 1652, G replaced by A.
Molecular consequence: splice donor variant.
Genome position (GRCh38, 1-based): chr17:46,067,548, C>T on the plus strand (G>A on the coding strand, the complement: KANSL1 is on the minus strand). VCF-style: chr17-46067548-C-T. GRCh37 (hg19) VCF-style: chr17-44144914-C-T.
Other names: NC_000017.10:g.44144914C>T; IVS6DS, G-A, +1; c.386+1G>A (NM_001405885.1, NM_001405884.1, NM_001405883.1 and 1 more transcripts); c.1550+1G>A (NM_001405881.1, NM_001405861.1, NM_001405859.1 and 1 more transcripts); c.1652+1G>A (NM_001405879.1, NM_001405875.1, NM_001193465.2 and 14 more transcripts).
Identifiers: ClinVar variation 31696 (VCV000031696.10), dbSNP rs281865470, ClinGen allele CA342806.

ClinVar aggregate classification (germline): Pathogenic. Review status: criteria provided, multiple submitters, no conflicts (2 of 4 stars). 5 submissions from 5 submitters: Pathogenic (3). 2 of the submissions do not count toward it. Last evaluated 2025-08-27.

Conditions:
Koolen-de Vries syndrome (KDVS). Identifiers: Orphanet 96169, MedGen C1864871, MONDO:0012496, OMIM 610443.

Submissions (7):

Dasa
Classification: Pathogenic. Last evaluated: 2025-08-27. Review status: criteria provided, single submitter. Criteria: DASA Assertion Criteria. Collection method: clinical testing. Allele origin: germline.
Comment: NM_015443.4(KANSL1):c.1652+1G>A affects a canonical splice site and is predicted to disrupt normal RNA splicing, leading to loss of normal protein function. Loss-of-function is an established mechanism of disease for this gene. This variant has been recurrently observed in individuals with related phenotype (PMID: 22544363; PMID: 26306646; PMID: 29225339). Based on the available data, this variant is classified as pathogenic.

GeneDx
Classification: Pathogenic. Last evaluated: 2025-05-29. Review status: criteria provided, single submitter. Criteria: GeneDx Variant Classification Process June 2021. Collection method: clinical testing. Allele origin: germline. Affected: yes.
Comment: Canonical splice site variant predicted to result in a null allele in a gene for which loss of function is a known mechanism of disease; Not observed at significant frequency in large population cohorts (gnomAD); This variant is associated with the following publications: (PMID: 34486251, 22544363, 26293599, 25533962, 28191890, 26306646, 31785789, 33057194, 35982159, 28135719, 27535533)

Neuberg Centre For Genomic Medicine, NCGM
Classification: Pathogenic for Koolen-de Vries syndrome. Review status: criteria provided, single submitter. Criteria: ACMG Guidelines, 2015. Collection method: clinical testing. Allele origin: germline. Inheritance: Autosomal dominant inheritance. Affected: yes.
Comment: The c.1652+1G>A variant in the KANSL1 gene has been reported previously in association with Koolen-de Vries syndrome (Koolen et al., 2012). The c.1652+1G>A variant is novel (not in any individuals) in gnomAD Exomes and is novel (not in any individuals) in 1000 Genomes. This variant mutates a splice-donor sequence, potentially resulting in the retention of large segments of intronic DNA by the mRNA and nonfunctional proteins. For these reasons, this variant has been classified as Pathogenic.

OMIM
Classification: Pathogenic for KOOLEN-DE VRIES SYNDROME. Last evaluated: 2012-04-29. Review status: no assertion criteria provided. Collection method: literature only. Allele origin: germline. Not counted in ClinVar's aggregate classification.

Dr. Peter K. Rogan Lab, Western University
No classification provided (evidence only). Condition: Uterine corpus endometrial carcinoma. Review status: no classification provided. Collection method: in vitro. Allele origin: not applicable. Functional consequence: skipped exon. Not counted in ClinVar's aggregate classification.

Dr. Peter K. Rogan Lab, Western University
No classification provided (evidence only). Condition: Squamous cell carcinoma of the head and neck. Review status: no classification provided. Collection method: in vitro. Allele origin: not applicable. Functional consequence: skipped exon. Not counted in ClinVar's aggregate classification.

GeneReviews
No classification provided. Condition: Koolen-de Vries syndrome. Review status: no classification provided. Collection method: literature only. Allele origin: unknown. Not counted in ClinVar's aggregate classification.

Literature cited by the submitters: PubMed 22544363 (cited by Dasa and OMIM); PubMed 26306646 (cited by Dasa and OMIM); PubMed 29225339 (cited by Dasa); PubMed 20301783 (cited by GeneReviews); NCBI Bookshelf NBK24676 (cited by GeneReviews).